The following is an entry in ClinVar:

NM_000257.4(MYH7):c.3442G>A (p.Glu1148Lys)

Gene: MYH7 (myosin heavy chain 7; minus strand). Cytogenetic location: 14q11.2.
Variant type: single nucleotide variant.
Coding change: c.3442G>A on transcript NM_000257.4 (MANE Select); coding-DNA position 3442, G replaced by A.
Protein change: p.Glu1148Lys; replaces glutamic acid 1148 with lysine.
Molecular consequence: missense variant.
Genome position (GRCh38, 1-based): chr14:23,420,129, C>T on the plus strand (G>A on the coding strand, the complement: MYH7 is on the minus strand). VCF-style: chr14-23420129-C-T. GRCh37 (hg19) VCF-style: chr14-23889338-C-T.
Other names: c.3442G>A (LRG_384t1); short protein forms E1148K.
Identifiers: ClinVar variation 191730 (VCV000191730.4), dbSNP rs786205355, ClinGen allele CA013712.

ClinVar aggregate classification (germline): Uncertain significance. Review status: criteria provided, multiple submitters, no conflicts (2 of 4 stars). 3 submissions from 3 submitters: Uncertain significance (3). Last evaluated 2023-08-15.

Conditions:
Cardiomyopathy (CMYO). Also called: Cardiomyopathies. Identifiers: Orphanet 167848, MedGen C0878544, MONDO:0004994, HP:0001638. Inheritance: Various modes of inheritance.

Submissions (3):

All of Us Research Program, National Institutes of Health
Classification: Uncertain significance for Cardiomyopathy. Last evaluated: 2023-08-15. Review status: criteria provided, single submitter. Criteria: ACMG Guidelines, 2015. Collection method: clinical testing. Allele origin: germline. Inheritance: Autosomal dominant inheritance. Observed: 1 variant allele, 1 heterozygote.
Comment: This study involves interpretation of variants in research participants for the purpose of population health screening. Participant phenotype was not available at the time of variant classification. Additional details can be found in publication PMID: 35346344, PMCID: PMC8962531

GeneDx
Classification: Uncertain significance. Last evaluated: 2022-01-24. Review status: criteria provided, single submitter. Criteria: GeneDx Variant Classification Process June 2021. Collection method: clinical testing. Allele origin: germline. Affected: yes.
Comment: Has not been previously published as pathogenic or benign to our knowledge; Not observed at significant frequency in large population cohorts (gnomAD); In silico analysis supports that this missense variant has a deleterious effect on protein structure/function

Biesecker Lab/Clinical Genomics Section, National Institutes of Health
Classification: Uncertain significance. Last evaluated: 2013-06-24. Review status: criteria provided, single submitter. Criteria: Ng et al. (Circ Cardiovasc Genet. 2013). Collection method: research. Allele origin: unknown. Observed: 1 variant allele. Study: ClinSeq.
Comment: The study set was not selected for affection status in relation to any cancer. Pathogenicity categories were based on literature curation. See Pubmed ID:23861362 for details.

Medical sequencing